The following is an entry in ClinVar:

NM_019098.5(CNGB3):c.1182_1199delinsACCTGAGTTCACA (p.Tyr394_Trp400delinsTer)

Gene: CNGB3 (cyclic nucleotide gated channel subunit beta 3; minus strand). Cytogenetic location: 8q21.3.
Variant type: Indel.
Coding change: c.1182_1199delinsACCTGAGTTCACA on transcript NM_019098.5 (MANE Select); coding-DNA positions 1182 to 1199, TCTGAGATGTTATTATTG replaced by ACCTGAGTTCACA.
Protein change: p.Tyr394_Trp400delinsTer.
Molecular consequence: nonsense.
Genome position (GRCh38, 1-based): chr8:86,632,873-86,632,890, CAATAATAACATCTCAGA replaced by TGTGAACTCAGGT on the plus strand (TCTGAGATGTTATTATTG replaced by ACCTGAGTTCACA on the coding strand, the reverse complement: CNGB3 is on the minus strand). VCF-style: chr8-86632873-CAATAATAACATCTCAGA-TGTGAACTCAGGT. GRCh37 (hg19) VCF-style: chr8-87645101-CAATAATAACATCTCAGA-TGTGAACTCAGGT.
Identifiers: ClinVar variation 5004558 (VCV005004558.1).

ClinVar aggregate classification (germline): Pathogenic (1 of 4 stars; one submission).

Conditions:
Achromatopsia 3 (ACHM3). Also called: ACHROMATOPSIA WITH MYOPIA; TOTAL COLORBLINDNESS WITH MYOPIA; ROD MONOCHROMACY 1; ROD MONOCHROMATISM 1; PINGELAPESE BLINDNESS. Identifiers: Orphanet 49382, MedGen C1849792, MONDO:0009875, OMIM 262300.

Submission:

Myriad Genetics, Inc.
Classification: Pathogenic for Achromatopsia 3. Last evaluated: 2026-03-23. Review status: criteria provided, single submitter. Criteria: Myriad Autosomal Dominant, Autosomal Recessive and X-Linked Classification Criteria (2023). Collection method: clinical testing. Allele origin: unknown.
Comment: NM_019098.4(CNGB3):c.1182_1199del18ins13(Y394*) is a nonsense variant classified as pathogenic in the context of achromatopsia, CNGB3-related. Y394* has not been observed in cases with relevant disease. Relevant functional assessments of this variant are not available in the literature. Y394* has not been observed in referenced population frequency databases. In summary, NM_019098.4(CNGB3):c.1182_1199del18ins13(Y394*) is a nonsense variant in a gene where loss of function is a known mechanism of disease and is predicted to disrupt protein function. Please note: this variant was assessed in the context of healthy population screening.